The following is an entry in ClinVar:

ClinVar aggregate classification (germline): Uncertain significance (1 of 4 stars; one submission).

Conditions:
BFSP2-related disorder. Also called: BFSP2-related condition.

Submission:

PreventionGenetics, part of Exact Sciences
Classification: Uncertain significance for BFSP2-related condition. Last evaluated: 2025-02-10. Review status: criteria provided, single submitter. Criteria: ACMG Guidelines, 2015. Collection method: clinical testing. Allele origin: germline.
Comment: The BFSP2 c.775C>T variant is predicted to result in premature protein termination (p.Gln259*). To our knowledge, this variant has not been reported in the literature or in a large population database (gnomAD), indicating this variant is rare. Based on gnomAD gene constraint metrics, this gene is not considered intolerant to loss of function variants. Loss of function has not been established as a mechanism of BFSP2-related disease. At this time, the clinical significance of this variant is uncertain due to the absence of conclusive functional and genetic evidence.

NM_003571.4(BFSP2):c.775C>T (p.Gln259Ter)

Genes: BFSP2 (beaded filament structural protein 2; plus strand), BFSP2-AS1 (BFSP2 antisense RNA 1; minus strand). Cytogenetic location: 3q22.1.
Variant type: single nucleotide variant.
Coding change: c.775C>T on transcript NM_003571.4 (MANE Select); coding-DNA position 775, C replaced by T.
Protein change: p.Gln259Ter; replaces glutamine 259 with a stop codon.
Molecular consequence: nonsense.
Genome position (GRCh38, 1-based): chr3:133,450,348, C>T. VCF-style: chr3-133450348-C-T. GRCh37 (hg19) VCF-style: chr3-133169192-C-T.
Other names: short protein forms Q259*.
Identifiers: ClinVar variation 4999788 (VCV004999788.1).